The following is an entry in ClinVar:

NM_000187.4(HGD):c.541G>T (p.Val181Phe)

Gene: HGD (homogentisate 1,2-dioxygenase; minus strand). Cytogenetic location: 3q13.33.
Variant type: single nucleotide variant.
Coding change: c.541G>T on transcript NM_000187.4 (MANE Select); coding-DNA position 541, G replaced by T.
Protein change: p.Val181Phe; replaces valine 181 with phenylalanine.
Molecular consequence: missense variant.
Genome position (GRCh38, 1-based): chr3:120,646,981, C>A on the plus strand (G>T on the coding strand, the complement: HGD is on the minus strand). VCF-style: chr3-120646981-C-A. GRCh37 (hg19) VCF-style: chr3-120365828-C-A.
Other names: short protein forms V181F.
Identifiers: ClinVar variation 2627709 (VCV002627709.1), dbSNP rs368256121, ClinGen allele CA354076912.

ClinVar aggregate classification (germline): Pathogenic (0 of 4 stars; one submission).

Conditions:
Alkaptonuria (AKU). Also called: Alkaptonuric ochronosis; Homogentisic acidura; Alcaptonuria; HOMOGENTISIC ACID OXIDASE DEFICIENCY. Identifiers: Orphanet 56, MedGen C0002066, MONDO:0008753, OMIM 203500.

Submission:

Department Of Human Genetics, Institute Of Clinical And Translational Research, Biomedical Research Center, Slovak Academy Of Sciences
Classification: Pathogenic for Alkaptonuria. Review status: no assertion criteria provided. Collection method: research. Allele origin: germline. Inheritance: Autosomal recessive inheritance. Affected: yes. Observed: 2 variant alleles.
Comment: The variant was originally described in AKU patient in PMID:11001939. It has been submitted to the HGD gene mutation database (DB-ID: AKU_00057).

Literature cited by the submitters: PubMed 11001939.